The following is an entry in ClinVar:

NM_177438.3(DICER1):c.3482C>G (p.Pro1161Arg)

Gene: DICER1 (dicer 1, ribonuclease III; minus strand). Cytogenetic location: 14q32.13.
Variant type: single nucleotide variant.
Coding change: c.3482C>G on transcript NM_177438.3 (MANE Select); coding-DNA position 3482, C replaced by G.
Protein change: p.Pro1161Arg; replaces proline 1161 with arginine.
Molecular consequence: missense variant. On other transcripts: non-coding transcript variant (6).
Genome position (GRCh38, 1-based): chr14:95,103,914, G>C on the plus strand (C>G on the coding strand, the complement: DICER1 is on the minus strand). VCF-style: chr14-95103914-G-C. GRCh37 (hg19) VCF-style: chr14-95570251-G-C.
Other names: c.3482C>G, p.Pro1161Arg (NM_001195573.1, NM_001271282.3, NM_001291628.2 and 13 more transcripts); c.3200C>G, p.Pro1067Arg (NM_001395686.1); c.3077C>G, p.Pro1026Arg (NM_001395687.1, NM_001395688.1, NM_001395689.1 and 2 more transcripts); c.2915C>G, p.Pro972Arg (NM_001395691.1); c.1799C>G, p.Pro600Arg (NM_001395697.1); short protein forms P1026R, P1067R, P1161R, P600R, P972R.
Identifiers: ClinVar variation 1731856 (VCV001731856.2), dbSNP rs1595366672, ClinGen allele CA390875243.

ClinVar aggregate classification (germline): Uncertain significance (1 of 4 stars; one submission).

Conditions:
Hereditary cancer-predisposing syndrome. Also called: Neoplastic Syndromes, Hereditary; Tumor predisposition; Hereditary Cancer Syndrome; Hereditary neoplastic syndrome. Identifiers: Orphanet 140162, MedGen C0027672, MeSH D009386, MONDO:0015356.

Submission:

Ambry Genetics
Classification: Uncertain significance for Hereditary cancer-predisposing syndrome. Last evaluated: 2020-06-17. Review status: criteria provided, single submitter. Criteria: Ambry Variant Classification Scheme 2023. Collection method: clinical testing. Allele origin: germline.
Comment: The p.P1161R variant (also known as c.3482C>G), located in coding exon 20 of the DICER1 gene, results from a C to G substitution at nucleotide position 3482. The proline at codon 1161 is replaced by arginine, an amino acid with dissimilar properties. This amino acid position is well conserved in available vertebrate species. In addition, this alteration is predicted to be tolerated by in silico analysis. Since supporting evidence is limited at this time, the clinical significance of this alteration remains unclear.